The following is an entry in ClinVar:

NM_177438.3(DICER1):c.1003dup (p.His335fs)

Gene: DICER1 (dicer 1, ribonuclease III; minus strand). Cytogenetic location: 14q32.13.
Variant type: Duplication.
Coding change: c.1003dup on transcript NM_177438.3 (MANE Select); coding-DNA position 1003, one base duplicated (C; older notation c.1003dupC).
Protein change: p.His335fs; shifts the reading frame from histidine 335.
Molecular consequence: frameshift variant. On other transcripts: 5 prime UTR variant (1), non-coding transcript variant (6).
Genome position (GRCh38, 1-based): chr14:95,124,569, G duplicated on the plus strand (C on the coding strand, the reverse complement: DICER1 is on the minus strand). VCF-style (leftmost placement, unchanged base first): chr14-95124568-T-TG. GRCh37 (hg19) VCF-style: chr14-95590905-T-TG.
Other names: c.1003dup, p.His335fs (NM_001395695.1, NM_001395699.1, NM_001395700.1 and 14 more transcripts); c.598dup, p.His200fs (NM_001395696.1, NM_001395698.1, NM_001395687.1 and 3 more transcripts); c.-566dup (NM_001395697.1); c.721dup, p.His241fs (NM_001395686.1); c.436dup, p.His146fs (NM_001395691.1); short protein forms H146fs, H335fs, H200fs, H241fs.
Identifiers: ClinVar variation 4733494 (VCV004733494.1).

ClinVar aggregate classification (germline): Pathogenic (1 of 4 stars; one submission).

Conditions:
DICER1-related tumor predisposition. Also called: DICER1-related pleuropulmonary blastoma cancer predisposition syndrome; DICER1 syndrome. Identifiers: Orphanet 284343, MedGen C3839822, MONDO:0100216.

Submission:

Labcorp Genetics (formerly Invitae), Labcorp
Classification: Pathogenic for DICER1-related tumor predisposition. Last evaluated: 2026-01-11. Review status: criteria provided, single submitter. Criteria: Invitae Variant Classification Sherloc (09022015). Collection method: clinical testing. Allele origin: germline.
Comment: This sequence change creates a premature translational stop signal (p.His335Profs*2) in the DICER1 gene. It is expected to result in an absent or disrupted protein product. Loss-of-function variants in DICER1 are known to be pathogenic (PMID: 19556464, 21266384). This variant is not present in population databases (gnomAD no frequency). This variant has not been reported in the literature in individuals affected with DICER1-related conditions. For these reasons, this variant has been classified as Pathogenic.

Literature cited by the submitters: PubMed 19556464; PubMed 21266384.